The following is an entry in ClinVar:

NM_001353921.2(ARHGEF9):c.1378C>T (p.Pro460Ser)

Gene: ARHGEF9 (Cdc42 guanine nucleotide exchange factor 9; minus strand). Cytogenetic location: Xq11.1.
Variant type: single nucleotide variant.
Coding change: c.1378C>T on transcript NM_001353921.2 (MANE Select); coding-DNA position 1378, C replaced by T.
Protein change: p.Pro460Ser; replaces proline 460 with serine.
Molecular consequence: missense variant. On other transcripts: 3 prime UTR variant (2).
Genome position (GRCh38, 1-based): chrX:63,643,992, G>A on the plus strand (C>T on the coding strand, the complement: ARHGEF9 is on the minus strand). VCF-style: chrX-63643992-G-A. GRCh37 (hg19) VCF-style: chrX-62863872-G-A.
Other names: c.1198C>T, p.Pro400Ser (NM_001173479.2); c.1051C>T, p.Pro351Ser (NM_001173480.2, NM_001369042.1); c.1294C>T, p.Pro432Ser (NM_001330495.2, NM_001369033.1, NM_001369034.1 and 4 more transcripts); c.1246C>T, p.Pro416Ser (NM_001353922.2); c.1396C>T, p.Pro466Ser (NM_001353923.1); c.1177C>T, p.Pro393Ser (NM_001353924.2, NM_001353926.2, NM_001369039.1 and 1 more transcripts); c.1162C>T, p.Pro388Ser (NM_001353927.2, NM_001369041.1); c.1225C>T, p.Pro409Ser (NM_001353928.2); and 3 more; short protein forms P271S, P432S, P416S, P351S, P393S, P400S, P409S, P453S.
Identifiers: ClinVar variation 2131210 (VCV002131210.4), dbSNP rs2519503504, ClinGen allele CA413402451.

ClinVar aggregate classification (germline): Uncertain significance (1 of 4 stars; one submission).

Conditions:
Developmental and epileptic encephalopathy, 8 (DEE8). Also called: HYPEREKPLEXIA AND EPILEPSY. Identifiers: Orphanet 163985, Orphanet 2076, MedGen C1845102, MONDO:0010375, OMIM 300607.

Submission:

Labcorp Genetics (formerly Invitae), Labcorp
Classification: Uncertain significance for Developmental and epileptic encephalopathy, 8. Last evaluated: 2022-10-17. Review status: criteria provided, single submitter. Criteria: Invitae Variant Classification Sherloc (09022015). Collection method: clinical testing. Allele origin: germline.
Comment: In summary, the available evidence is currently insufficient to determine the role of this variant in disease. Therefore, it has been classified as a Variant of Uncertain Significance. This sequence change replaces proline, which is neutral and non-polar, with serine, which is neutral and polar, at codon 453 of the ARHGEF9 protein (p.Pro453Ser). This variant is not present in population databases (gnomAD no frequency). This variant has not been reported in the literature in individuals affected with ARHGEF9-related conditions. Advanced modeling of protein sequence and biophysical properties (such as structural, functional, and spatial information, amino acid conservation, physicochemical variation, residue mobility, and thermodynamic stability) performed at Invitae indicates that this missense variant is not expected to disrupt ARHGEF9 protein function.